The following is an entry in ClinVar:

ClinVar aggregate classification (germline): Pathogenic (1 of 4 stars; one submission).

Conditions:
Multiple congenital exostosis (EXT). Also called: Hereditary multiple osteochondromas; Multiple osteochondromas; Multiple exostoses; MULTIPLE CARTILAGINOUS EXOSTOSES; Hereditary multiple exostoses; Hereditary multiple exostosis. Identifiers: Orphanet 321, MedGen C0015306, MONDO:0005508, HP:0002762.

Submission:

Labcorp Genetics (formerly Invitae), Labcorp
Classification: Pathogenic for Multiple congenital exostosis. Last evaluated: 2019-06-04. Review status: criteria provided, single submitter. Criteria: Invitae Variant Classification Sherloc (09022015). Collection method: clinical testing. Allele origin: germline.
Comment: This variant is not present in population databases (ExAC no frequency). For these reasons, this variant has been classified as Pathogenic. Loss-of-function variants in EXT1 are known to be pathogenic (PMID: 10679937, 11391482, 19810120). This variant has not been reported in the literature in individuals with EXT1-related conditions. This sequence change creates a premature translational stop signal (p.Leu135*) in the EXT1 gene. It is expected to result in an absent or disrupted protein product.

Literature cited by the submitters: PubMed 10679937; PubMed 11391482; PubMed 19810120.

NM_000127.3(EXT1):c.402del (p.Ile134_Leu135insTer)

Gene: EXT1 (exostosin glycosyltransferase 1; minus strand). Cytogenetic location: 8q24.11.
Variant type: Deletion.
Coding change: c.402del on transcript NM_000127.3 (MANE Select); coding-DNA position 402, one base deleted (T; older notation c.402delT).
Protein change: p.Ile134_Leu135insTer.
Molecular consequence: frameshift variant.
Genome position (GRCh38, 1-based): chr8:118,110,645, A deleted on the plus strand (T on the coding strand, the reverse complement: EXT1 is on the minus strand); the first of 2 consecutive A bases (chr8:118,110,645-118,110,646); deleting either gives the same sequence. VCF-style (leftmost placement, unchanged base first): chr8-118110644-GA-G. GRCh37 (hg19) VCF-style: chr8-119122883-GA-G.
Identifiers: ClinVar variation 947703 (VCV000947703.7), dbSNP rs1817881036, ClinGen allele CA1139660753.